The following is an entry in ClinVar:

ClinVar aggregate classification (germline): Uncertain significance (1 of 4 stars; one submission).

Conditions:
Glycogen storage disease due to muscle and heart glycogen synthase deficiency. Also called: MUSCLE GLYCOGEN SYNTHASE DEFICIENCY; GSD 0b. Identifiers: Orphanet 137625, MedGen C1969054, MONDO:0012693, OMIM 611556.

gnomAD v4.1: 6 of 1,603,818 alleles (0.00037%); highest among the groups gnomAD compares: East Asian, 0.011%; no homozygotes.

Submission:

Labcorp Genetics (formerly Invitae), Labcorp
Classification: Uncertain significance for Glycogen storage disease due to muscle and heart glycogen synthase deficiency. Last evaluated: 2022-04-07. Review status: criteria provided, single submitter. Criteria: Invitae Variant Classification Sherloc (09022015). Collection method: clinical testing. Allele origin: germline.
Comment: This sequence change replaces arginine, which is basic and polar, with histidine, which is basic and polar, at codon 5 of the GYS1 protein (p.Arg5His). This variant is not present in population databases (gnomAD no frequency). This variant has not been reported in the literature in individuals affected with GYS1-related conditions. Algorithms developed to predict the effect of missense changes on protein structure and function are either unavailable or do not agree on the potential impact of this missense change (SIFT: "Deleterious"; PolyPhen-2: "Probably Damaging"; Align-GVGD: "Class C0"). In summary, the available evidence is currently insufficient to determine the role of this variant in disease. Therefore, it has been classified as a Variant of Uncertain Significance.

NM_002103.5(GYS1):c.14G>A (p.Arg5His)

Gene: GYS1 (glycogen synthase 1; minus strand). Cytogenetic location: 19q13.33.
Variant type: single nucleotide variant.
Coding change: c.14G>A on transcript NM_002103.5 (MANE Select); coding-DNA position 14, G replaced by A.
Protein change: p.Arg5His; replaces arginine 5 with histidine.
Molecular consequence: missense variant. On other transcripts: non-coding transcript variant (1).
Genome position (GRCh38, 1-based): chr19:48,993,099, C>T on the plus strand (G>A on the coding strand, the complement: GYS1 is on the minus strand). VCF-style: chr19-48993099-C-T. GRCh37 (hg19) VCF-style: chr19-49496356-C-T.
Other names: c.14G>A, p.Arg5His (NM_001161587.2); short protein forms R5H.
Identifiers: ClinVar variation 2112663 (VCV002112663.4), dbSNP rs1164286080, ClinGen allele CA406767127.